The following is an entry in ClinVar:

ClinVar aggregate classification (germline): Uncertain significance (1 of 4 stars; one submission).

Conditions:
Hereditary sensory and autonomic neuropathy type 6. Also called: HSAN VI; Neuropathy, hereditary sensory and autonomic, type VI. Identifiers: Orphanet 314381, MedGen C3539003, MONDO:0013839, OMIM 614653.
Epidermolysis bullosa simplex 3, localized or generalized intermediate, with BP230 deficiency (EBS3). Also called: Epidermolysis bullosa simplex, autosomal recessive 2; Epidermolysis bullosa simplex due to BP230 deficiency. Identifiers: Orphanet 412181, MedGen C3809470, MONDO:0014180, OMIM 615425.

Allele frequency attached by ClinVar (database versions not stated): gnomAD exomes below 0.00001 and 0.00002; TOPMed below 0.00001; gnomAD 0.00001; ExAC 0.00002.
gnomAD v4.1: 8 of 1,613,542 alleles (0.0005%); highest among the groups gnomAD compares: African/African-American, 0.0027%; no homozygotes.

Submission:

Labcorp Genetics (formerly Invitae), Labcorp
Classification: Uncertain significance for Epidermolysis bullosa simplex 3, localized or generalized intermediate, with BP230 deficiency; Hereditary sensory and autonomic neuropathy type 6. Last evaluated: 2022-02-23. Review status: criteria provided, single submitter. Criteria: Invitae Variant Classification Sherloc (09022015). Collection method: clinical testing. Allele origin: germline.
Comment: This sequence change replaces arginine, which is basic and polar, with glycine, which is neutral and non-polar, at codon 955 of the DST protein (p.Arg955Gly). This variant is present in population databases (rs771732370, gnomAD 0.007%). This variant has not been reported in the literature in individuals affected with DST-related conditions. ClinVar contains an entry for this variant (Variation ID: 937412). Algorithms developed to predict the effect of missense changes on protein structure and function (SIFT, PolyPhen-2, Align-GVGD) all suggest that this variant is likely to be disruptive. Algorithms developed to predict the effect of sequence changes on RNA splicing suggest that this variant may disrupt the consensus splice site. In summary, the available evidence is currently insufficient to determine the role of this variant in disease. Therefore, it has been classified as a Variant of Uncertain Significance.

NM_001374736.1(DST):c.4474A>G (p.Arg1492Gly)

Gene: DST (dystonin; minus strand). Cytogenetic location: 6p12.1.
Variant type: single nucleotide variant.
Coding change: c.4474A>G on transcript NM_001374736.1 (MANE Select); coding-DNA position 4474, A replaced by G.
Protein change: p.Arg1492Gly; replaces arginine 1492 with glycine.
Molecular consequence: missense variant.
Genome position (GRCh38, 1-based): chr6:56,629,251, T>C on the plus strand (A>G on the coding strand, the complement: DST is on the minus strand). VCF-style: chr6-56629251-T-C. GRCh37 (hg19) VCF-style: chr6-56494049-T-C.
Other names: c.4375A>G, p.Arg1459Gly (NM_001144769.5); c.3961A>G, p.Arg1321Gly (NM_001144770.2); c.4474A>G, p.Arg1492Gly (NM_001374722.1); c.3841A>G, p.Arg1281Gly (NM_001374729.1, NM_001374730.1, NM_001386100.1 and 1 more transcripts); c.4501A>G, p.Arg1501Gly (NM_001374734.1); c.2863A>G, p.Arg955Gly (NM_001723.7, NM_015548.5); short protein forms R1321G, R1492G, R1501G, R1459G, R1281G, R955G.
Identifiers: ClinVar variation 937412 (VCV000937412.7), dbSNP rs771732370, ClinGen allele CA3870902.